The following is an entry in ClinVar:

ClinVar aggregate classification (germline): Benign (1 of 4 stars; one submission).

Allele frequency attached by ClinVar (database versions not stated): gnomAD 0.07419 and 0.07987; 1000 Genomes Project 0.08107; TOPMed 0.08500; 1000 Genomes Project 30x 0.08588.
gnomAD v4.1: 11,182 of 152,182 alleles (7.3%); highest among the groups gnomAD compares: African/African-American, 26%; 1,384 homozygotes.

Submission:

GeneDx
Classification: Benign. Last evaluated: 2018-06-16. Review status: criteria provided, single submitter. Criteria: GeneDx Variant Classification (06012015). Collection method: clinical testing. Allele origin: germline. Affected: yes.
Comment: This variant is considered likely benign or benign based on one or more of the following criteria: it is a conservative change, it occurs at a poorly conserved position in the protein, it is predicted to be benign by multiple in silico algorithms, and/or has population frequency not consistent with disease.

NM_139276.3(STAT3):c.797+185C>T

Gene: STAT3 (signal transducer and activator of transcription 3; minus strand). Cytogenetic location: 17q21.2.
Variant type: single nucleotide variant.
Coding change: c.797+185C>T on transcript NM_139276.3 (MANE Select); 185 bases into the intron after coding-DNA position 797, C replaced by T.
Molecular consequence: intron variant.
Genome position (GRCh38, 1-based): chr17:42,337,250, G>A on the plus strand (C>T on the coding strand, the complement: STAT3 is on the minus strand). VCF-style: chr17-42337250-G-A. GRCh37 (hg19) VCF-style: chr17-40489268-G-A.
Other names: c.701+185C>T (NM_001384989.1); c.797+185C>T (NM_001384992.1, NM_001384984.1, NM_001369519.1 and 15 more transcripts); c.719+185C>T (NM_001384985.1).
Identifiers: ClinVar variation 677247 (VCV000677247.1), dbSNP rs17879752, ClinGen allele CA290742679.